The following is an entry in ClinVar:

NM_001171.6(ABCC6):c.3571G>A (p.Val1191Met)

Gene: ABCC6 (ATP binding cassette subfamily C member 6; minus strand). Cytogenetic location: 16p13.11.
Variant type: single nucleotide variant.
Coding change: c.3571G>A on transcript NM_001171.6 (MANE Select); coding-DNA position 3571, G replaced by A.
Protein change: p.Val1191Met; replaces valine 1191 with methionine.
Molecular consequence: missense variant. On other transcripts: non-coding transcript variant (1).
Genome position (GRCh38, 1-based): chr16:16,161,500, C>T on the plus strand (G>A on the coding strand, the complement: ABCC6 is on the minus strand). VCF-style: chr16-16161500-C-T. GRCh37 (hg19) VCF-style: chr16-16255357-C-T.
Other names: c.3229G>A, p.Val1077Met (NM_001351800.1); short protein forms V1077M, V1191M.
Identifiers: ClinVar variation 2007922 (VCV002007922.4), dbSNP rs771584027, ClinGen allele CA7925525.

ClinVar aggregate classification (germline): Uncertain significance (1 of 4 stars; one submission).

Allele frequency attached by ClinVar (database versions not stated): gnomAD exomes below 0.00001; ExAC 0.00001.
gnomAD v4.1: 2 of 1,614,004 alleles (0.00012%); highest among the groups gnomAD compares: Non-Finnish European, 0.00017%; no homozygotes.

Submission:

Labcorp Genetics (formerly Invitae), Labcorp
Classification: Uncertain significance. Last evaluated: 2023-07-25. Review status: criteria provided, single submitter. Criteria: Invitae Variant Classification Sherloc (09022015). Collection method: clinical testing. Allele origin: germline.
Comment: This sequence change replaces valine, which is neutral and non-polar, with methionine, which is neutral and non-polar, at codon 1191 of the ABCC6 protein (p.Val1191Met). In summary, the available evidence is currently insufficient to determine the role of this variant in disease. Therefore, it has been classified as a Variant of Uncertain Significance. Algorithms developed to predict the effect of missense changes on protein structure and function are either unavailable or do not agree on the potential impact of this missense change (SIFT: "Not Available"; PolyPhen-2: "Probably Damaging"; Align-GVGD: "Not Available"). This variant has not been reported in the literature in individuals affected with ABCC6-related conditions. This variant is present in population databases (rs771584027, gnomAD 0.0009%).